The following is an entry in ClinVar:

NM_032575.3(GLIS2):c.101G>A (p.Arg34His)

Gene: GLIS2 (GLIS family zinc finger 2; plus strand). Cytogenetic location: 16p13.3.
Variant type: single nucleotide variant.
Coding change: c.101G>A on transcript NM_032575.3 (MANE Select); coding-DNA position 101, G replaced by A.
Protein change: p.Arg34His; replaces arginine 34 with histidine.
Molecular consequence: missense variant.
Genome position (GRCh38, 1-based): chr16:4,332,381, G>A. VCF-style: chr16-4332381-G-A. GRCh37 (hg19) VCF-style: chr16-4382382-G-A.
Other names: c.101G>A, p.Arg34His (NM_001318918.2); short protein forms R34H.
Identifiers: ClinVar variation 568178 (VCV000568178.9), dbSNP rs377037409, ClinGen allele CA7872896.

ClinVar aggregate classification (germline): Conflicting classifications of pathogenicity. Review status: criteria provided, conflicting classifications (1 of 4 stars). 3 submissions from 3 submitters: Uncertain significance (2); Likely benign (1). Last evaluated 2024-11-21.

Conditions:
Nephronophthisis. Also called: Juvenile Nephronophthisis. Identifiers: Orphanet 655, MedGen C0687120, MONDO:0019005, HP:0000090.
Nephronophthisis 7 (NPHP7). Identifiers: Orphanet 655, MedGen C1969092, MONDO:0012680, OMIM 611498.

Allele frequency attached by ClinVar (database versions not stated): gnomAD 0.00003; TOPMed 0.00006; ESP Exome Variant Server 0.00008.
gnomAD v4.1: 69 of 1,612,996 alleles (0.0043%); highest among the groups gnomAD compares: Admixed American, 0.063%; 1 homozygote.

Submissions (3):

Blueprint Genetics
Classification: Likely benign. Last evaluated: 2024-11-21. Review status: criteria provided, single submitter. Criteria: ACMG Guidelines, 2015. Collection method: clinical testing. Allele origin: germline.

Labcorp Genetics (formerly Invitae), Labcorp
Classification: Uncertain significance for Nephronophthisis. Last evaluated: 2024-11-11. Review status: criteria provided, single submitter. Criteria: Invitae Variant Classification Sherloc (09022015). Collection method: clinical testing. Allele origin: germline.
Comment: This sequence change replaces arginine, which is basic and polar, with histidine, which is basic and polar, at codon 34 of the GLIS2 protein (p.Arg34His). This variant is present in population databases (rs377037409, gnomAD 0.1%). This variant has not been reported in the literature in individuals affected with GLIS2-related conditions. ClinVar contains an entry for this variant (Variation ID: 568178). An algorithm developed to predict the effect of missense changes on protein structure and function outputs the following: PolyPhen-2: "Benign". The histidine amino acid residue is found in multiple mammalian species, which suggests that this missense change does not adversely affect protein function. In summary, the available evidence is currently insufficient to determine the role of this variant in disease. Therefore, it has been classified as a Variant of Uncertain Significance.

Fulgent Genetics
Classification: Uncertain significance for Nephronophthisis 7. Last evaluated: 2022-05-03. Review status: criteria provided, single submitter. Criteria: ACMG Guidelines, 2015. Collection method: clinical testing. Allele origin: unknown.